The following is an entry in ClinVar:

NM_001563.4(IMPG1):c.290A>G (p.Tyr97Cys)

Gene: IMPG1 (interphotoreceptor matrix proteoglycan 1; minus strand). Cytogenetic location: 6q14.1.
Variant type: single nucleotide variant.
Coding change: c.290A>G on transcript NM_001563.4 (MANE Select); coding-DNA position 290, A replaced by G.
Protein change: p.Tyr97Cys; replaces tyrosine 97 with cysteine.
Molecular consequence: missense variant. On other transcripts: intron variant (1).
Genome position (GRCh38, 1-based): chr6:76,041,904, T>C on the plus strand (A>G on the coding strand, the complement: IMPG1 is on the minus strand). VCF-style: chr6-76041904-T-C. GRCh37 (hg19) VCF-style: chr6-76751621-T-C.
Other names: c.68-7117A>G (NM_001282368.2); short protein forms Y97C.
Identifiers: ClinVar variation 2012553 (VCV002012553.4), dbSNP rs1562380853, ClinGen allele CA364829552.

ClinVar aggregate classification (germline): Uncertain significance (1 of 4 stars; one submission).

Allele frequency attached by ClinVar (database versions not stated): gnomAD exomes below 0.00001.
gnomAD v4.1: 2 of 1,596,474 alleles (0.00013%); highest among the groups gnomAD compares: Non-Finnish European, 0.000086%; no homozygotes.

Submission:

Labcorp Genetics (formerly Invitae), Labcorp
Classification: Uncertain significance. Last evaluated: 2022-06-30. Review status: criteria provided, single submitter. Criteria: Invitae Variant Classification Sherloc (09022015). Collection method: clinical testing. Allele origin: germline.
Comment: Algorithms developed to predict the effect of missense changes on protein structure and function are either unavailable or do not agree on the potential impact of this missense change (SIFT: "Deleterious"; PolyPhen-2: "Probably Damaging"; Align-GVGD: "Class C0"). This variant has not been reported in the literature in individuals affected with IMPG1-related conditions. This variant is not present in population databases (gnomAD no frequency). This sequence change replaces tyrosine, which is neutral and polar, with cysteine, which is neutral and slightly polar, at codon 97 of the IMPG1 protein (p.Tyr97Cys). In summary, the available evidence is currently insufficient to determine the role of this variant in disease. Therefore, it has been classified as a Variant of Uncertain Significance.